The following is an entry in ClinVar:

NM_007357.3(COG2):c.1765G>C (p.Val589Leu)

Gene: COG2 (component of oligomeric golgi complex 2; plus strand). Cytogenetic location: 1q42.2.
Variant type: single nucleotide variant.
Coding change: c.1765G>C on transcript NM_007357.3 (MANE Select); coding-DNA position 1765, G replaced by C.
Protein change: p.Val589Leu; replaces valine 589 with leucine.
Molecular consequence: missense variant.
Genome position (GRCh38, 1-based): chr1:230,688,533, G>C. VCF-style: chr1-230688533-G-C. GRCh37 (hg19) VCF-style: chr1-230824279-G-C.
Other names: c.1762G>C, p.Val588Leu (NM_001145036.2); short protein forms V588L, V589L.
Identifiers: ClinVar variation 1021470 (VCV001021470.5), dbSNP rs34109129, ClinGen allele CA345198104.
Genomic context (GRCh38, chr1:230,688,533, plus strand): 5'-AGCAAGATCATCCAGGATTTAAGTGACTCTTGCTTCGGTTTCCTAAAAAGCGCCCTGGAG[G>C]TTCCCAGGCTTTACCGAAGAACCAATAAGGTCAGCGCCATTTATGGGAGAGAATTTTGAG-3'
Protein context (NP_031383.1, residues 579-599): CFGFLKSALE[Val589Leu]PRLYRRTNKE

ClinVar aggregate classification (germline): Uncertain significance (1 of 4 stars; one submission).

Conditions:
Congenital disorder of glycosylation, type IIq. Also called: CDG IIq. Identifiers: Orphanet 435934, MedGen C4479353, MONDO:0054559, OMIM 617395.

Allele frequency attached by ClinVar (database versions not stated): TOPMed 0.00002.
gnomAD v4.1: 9 of 1,613,982 alleles (0.00056%); highest among the groups gnomAD compares: Non-Finnish European, 0.00076%; no homozygotes.

Submission:

Labcorp Genetics (formerly Invitae), Labcorp
Classification: Uncertain significance for Congenital disorder of glycosylation, type IIq. Last evaluated: 2020-08-06. Review status: criteria provided, single submitter. Criteria: Invitae Variant Classification Sherloc (09022015). Collection method: clinical testing. Allele origin: germline.
Comment: In summary, the available evidence is currently insufficient to determine the role of this variant in disease. Therefore, it has been classified as a Variant of Uncertain Significance. Algorithms developed to predict the effect of missense changes on protein structure and function (SIFT, PolyPhen-2, Align-GVGD) all suggest that this variant is likely to be tolerated, but these predictions have not been confirmed by published functional studies and their clinical significance is uncertain. This variant has not been reported in the literature in individuals with COG2-related conditions. This variant is not present in population databases (ExAC no frequency). This sequence change replaces valine with leucine at codon 589 of the COG2 protein (p.Val589Leu). The valine residue is highly conserved and there is a small physicochemical difference between valine and leucine.